The following is an entry in ClinVar:

NM_004369.4(COL6A3):c.1293G>A (p.Pro431=)

Gene: COL6A3 (collagen type VI alpha 3 chain; minus strand). Cytogenetic location: 2q37.3.
Variant type: single nucleotide variant.
Coding change: c.1293G>A on transcript NM_004369.4 (MANE Select); coding-DNA position 1293, G replaced by A.
Protein change: p.Pro431=; no amino-acid change (proline 431 retained).
Molecular consequence: synonymous variant. On other transcripts: intron variant (2).
Genome position (GRCh38, 1-based): chr2:237,387,601, C>T on the plus strand (G>A on the coding strand, the complement: COL6A3 is on the minus strand). VCF-style: chr2-237387601-C-T. GRCh37 (hg19) VCF-style: chr2-238296244-C-T.
Other names: c.675G>A, p.Pro225= (NM_057165.5, NM_057167.4); c.92-6102G>A (NM_057166.5, NM_057164.5).
Identifiers: ClinVar variation 476501 (VCV000476501.36), dbSNP rs376912950, ClinGen allele CA2189663.

ClinVar aggregate classification (germline): Conflicting classifications of pathogenicity. Review status: criteria provided, conflicting classifications (1 of 4 stars). 3 submissions from 3 submitters: Uncertain significance (1); Likely benign (2). Last evaluated 2026-01-21.

Conditions:
Bethlem myopathy 1A. Also called: MYOPATHY, BENIGN CONGENITAL, WITH CONTRACTURES; Bethlem myopathy 1; Bethlem Muscular Dystrophy. Identifiers: Orphanet 610, MedGen CN029274, MONDO:0024530, OMIM 158810.

Allele frequency attached by ClinVar (database versions not stated): gnomAD 0.00002 and 0.00003; gnomAD exomes 0.00002 and 0.00003; TOPMed 0.00002; ExAC 0.00003; ESP Exome Variant Server 0.00008.
gnomAD v4.1: 33 of 1,613,570 alleles (0.002%); highest among the groups gnomAD compares: South Asian, 0.011%; no homozygotes.

Submissions (3):

Labcorp Genetics (formerly Invitae), Labcorp
Classification: Likely benign for Bethlem myopathy 1A. Last evaluated: 2026-01-21. Review status: criteria provided, single submitter. Criteria: Invitae Variant Classification Sherloc (09022015). Collection method: clinical testing. Allele origin: germline.

CeGaT Center for Human Genetics Tuebingen
Classification: Likely benign. Last evaluated: 2022-10-01. Review status: criteria provided, single submitter. Criteria: CeGaT Center For Human Genetics Tuebingen Variant Classification Criteria Version 2. Collection method: clinical testing. Allele origin: germline. Affected: yes. Observed: 1 variant allele.
Comment: COL6A3: BP4, BP7

Eurofins Ntd Llc (ga)
Classification: Uncertain significance. Last evaluated: 2016-12-28. Review status: criteria provided, single submitter. Criteria: EGL Classification Definitions 2015. Collection method: clinical testing. Allele origin: germline. Observed: 1 variant allele, 1 heterozygote.